The following is an entry in ClinVar:

ClinVar aggregate classification (germline): Likely benign. Review status: criteria provided, multiple submitters, no conflicts (2 of 4 stars). 3 submissions from 3 submitters: Likely benign (3). Last evaluated 2025-09-02.

Allele frequency attached by ClinVar (database versions not stated): gnomAD exomes 0.00005; ExAC 0.00007; TOPMed 0.00007; ESP Exome Variant Server 0.00008; gnomAD 0.00008 and 0.00009.
gnomAD v4.1: 116 of 1,598,606 alleles (0.0073%); highest among the groups gnomAD compares: African/African-American, 0.023%; no homozygotes.

Submissions (3):

Labcorp Genetics (formerly Invitae), Labcorp
Classification: Likely benign. Last evaluated: 2025-09-02. Review status: criteria provided, single submitter. Criteria: Invitae Variant Classification Sherloc (09022015). Collection method: clinical testing. Allele origin: germline.

Blueprint Genetics
Classification: Likely benign. Last evaluated: 2022-10-15. Review status: criteria provided, single submitter. Criteria: ACMG Guidelines, 2015. Collection method: clinical testing. Allele origin: germline.

Laboratory for Molecular Medicine, Mass General Brigham Personalized Medicine
Classification: Likely benign. Last evaluated: 2012-04-30. Review status: criteria provided, single submitter. Criteria: LMM Criteria. Collection method: clinical testing. Allele origin: germline. Observed: 1 variant allele.
Comment: Ile275Ile in Exon 09 of CDH23: This variant is not expected to have clinical sig nificance because it does not alter an amino acid residue, is not located within the splice consensus sequence, and has been identified in 1/3346 African Americ an chromosomes from a broad population by the NHLBI Exome Sequencing Project.

NM_022124.6(CDH23):c.825C>T (p.Ile275=)

Gene: CDH23 (cadherin related 23; plus strand). Cytogenetic location: 10q22.1.
Variant type: single nucleotide variant.
Coding change: c.825C>T on transcript NM_022124.6 (MANE Select); coding-DNA position 825, C replaced by T.
Protein change: p.Ile275=; no amino-acid change (isoleucine 275 retained).
Molecular consequence: synonymous variant.
Genome position (GRCh38, 1-based): chr10:71,577,985, C>T. VCF-style: chr10-71577985-C-T. GRCh37 (hg19) VCF-style: chr10-73337742-C-T.
Other names: c.825C>T, p.Ile275= (NM_001171930.2, NM_001171931.2, NM_001171932.2 and 1 more transcripts).
Identifiers: ClinVar variation 178296 (VCV000178296.15), dbSNP rs376436182, ClinGen allele CA182060.